The following is an entry in ClinVar:

NM_007315.4(STAT1):c.554A>G (p.Asn185Ser)

Gene: STAT1 (signal transducer and activator of transcription 1; minus strand). Cytogenetic location: 2q32.2.
Variant type: single nucleotide variant.
Coding change: c.554A>G on transcript NM_007315.4 (MANE Select); coding-DNA position 554, A replaced by G.
Protein change: p.Asn185Ser; replaces asparagine 185 with serine.
Molecular consequence: missense variant. On other transcripts: intron variant (1).
Genome position (GRCh38, 1-based): chr2:190,998,296, T>C on the plus strand (A>G on the coding strand, the complement: STAT1 is on the minus strand). VCF-style: chr2-190998296-T-C. GRCh37 (hg19) VCF-style: chr2-191863022-T-C.
Other names: c.554A>G, p.Asn185Ser (NM_001384880.1, NM_001384882.1, NM_001384885.1 and 5 more transcripts); c.560A>G, p.Asn187Ser (NM_001384881.1, NM_001384884.1); c.464A>G, p.Asn155Ser (NM_001384890.1); c.590A>G, p.Asn197Ser (NM_001384891.1); c.535-289A>G (NM_001384883.1); short protein forms N155S, N187S, N197S, N185S.
Identifiers: ClinVar variation 1450216 (VCV001450216.6), dbSNP rs1051397529, ClinGen allele CA62683355.
Genomic context (GRCh38, chr2:190,998,296, plus strand): 5'-ATTAAATACATCTTCTTGAGTAACAGCTGTTCTTGTTTCTGATCACTCTTTGCCACACCA[T>C]TGGTCTCGTGTTCTATAAATTGAGAGACAGCCAGTAAATATATAAAGAAGACAAAACCAA-3'
Protein context (NP_009330.1, residues 175-195): KTLQNREHET[Asn185Ser]GVAKSDQKQE

ClinVar aggregate classification (germline): Uncertain significance (1 of 4 stars; one submission).

Conditions:
Immunodeficiency 31B. Also called: STAT1 DEFICIENCY, AUTOSOMAL RECESSIVE; IMMUNODEFICIENCY 31B, MYCOBACTERIAL AND VIRAL INFECTIONS, AUTOSOMAL RECESSIVE. Identifiers: Orphanet 391311, MedGen C3151088, MONDO:0013427, OMIM 613796.
Mendelian susceptibility to mycobacterial diseases due to partial STAT1 deficiency. Also called: IMMUNODEFICIENCY 31A, MYCOBACTERIOSIS, AUTOSOMAL DOMINANT; STAT1 DEFICIENCY, AUTOSOMAL DOMINANT; Immunodeficiency 31a. Identifiers: Orphanet 319595, MedGen C4013950, MONDO:0013956, OMIM 614892.
Autoimmune enteropathy and endocrinopathy - susceptibility to chronic infections syndrome. Also called: Immunodeficiency 31C; Immunodeficiency 31C, autosomal dominant. Identifiers: Orphanet 391487, MedGen C3279990, MONDO:0013599, OMIM 614162.

Allele frequency attached by ClinVar (database versions not stated): gnomAD exomes below 0.00001; gnomAD 0.00001.
gnomAD v4.1: 5 of 1,613,340 alleles (0.00031%); highest among the groups gnomAD compares: Non-Finnish European, 0.00042%; no homozygotes.

Submission:

Labcorp Genetics (formerly Invitae), Labcorp
Classification: Uncertain significance for Mendelian susceptibility to mycobacterial diseases due to partial STAT1 deficiency; Immunodeficiency 31B; Autoimmune enteropathy and endocrinopathy - susceptibility to chronic infections syndrome. Last evaluated: 2023-07-07. Review status: criteria provided, single submitter. Criteria: Invitae Variant Classification Sherloc (09022015). Collection method: clinical testing. Allele origin: germline.
Comment: This sequence change replaces asparagine, which is neutral and polar, with serine, which is neutral and polar, at codon 185 of the STAT1 protein (p.Asn185Ser). This variant is not present in population databases (gnomAD no frequency). This variant has not been reported in the literature in individuals affected with STAT1-related conditions. ClinVar contains an entry for this variant (Variation ID: 1450216). Algorithms developed to predict the effect of missense changes on protein structure and function output the following: SIFT: "Not Available"; PolyPhen-2: "Benign"; Align-GVGD: "Not Available". The serine amino acid residue is found in multiple mammalian species, which suggests that this missense change does not adversely affect protein function. In summary, the available evidence is currently insufficient to determine the role of this variant in disease. Therefore, it has been classified as a Variant of Uncertain Significance.